The following is an entry in ClinVar:

ClinVar aggregate classification (germline): Uncertain significance (1 of 4 stars; one submission).

Conditions:
Neurofibromatosis, type 1 (NF1). Also called: VON RECKLINGHAUSEN DISEASE; NEUROFIBROMATOSIS, TYPE I, SOMATIC; Peripheral type neurofibromatosis; Neurofibromatosis, type I. Identifiers: Orphanet 636, MedGen C0027831, MONDO:0018975, OMIM 162200. Disease mechanism: loss of function.

Submission:

Labcorp Genetics (formerly Invitae), Labcorp
Classification: Uncertain significance for Neurofibromatosis, type 1. Last evaluated: 2022-10-28. Review status: criteria provided, single submitter. Criteria: Invitae Variant Classification Sherloc (09022015). Collection method: clinical testing. Allele origin: germline.
Comment: In summary, the available evidence is currently insufficient to determine the role of this variant in disease. Therefore, it has been classified as a Variant of Uncertain Significance. Advanced modeling of protein sequence and biophysical properties (such as structural, functional, and spatial information, amino acid conservation, physicochemical variation, residue mobility, and thermodynamic stability) performed at Invitae indicates that this missense variant is expected to disrupt NF1 protein function. ClinVar contains an entry for this variant (Variation ID: 659862). This missense change has been observed to co-occur in individuals with a different variant in NF1 that has been determined to be pathogenic (Invitae), but the significance of this finding is unclear. This variant has not been reported in the literature in individuals affected with NF1-related conditions. This variant is not present in population databases (gnomAD no frequency). This sequence change replaces glycine, which is neutral and non-polar, with cysteine, which is neutral and slightly polar, at codon 978 of the NF1 protein (p.Gly978Cys).

NM_001042492.3(NF1):c.2932G>T (p.Gly978Cys)

Gene: NF1 (neurofibromin 1; plus strand). Cytogenetic location: 17q11.2.
Variant type: single nucleotide variant.
Coding change: c.2932G>T on transcript NM_001042492.3 (MANE Select); coding-DNA position 2932, G replaced by T.
Protein change: p.Gly978Cys; replaces glycine 978 with cysteine.
Molecular consequence: missense variant.
Genome position (GRCh38, 1-based): chr17:31,229,916, G>T. VCF-style: chr17-31229916-G-T. GRCh37 (hg19) VCF-style: chr17-29556934-G-T.
Other names: c.2932G>T, p.Gly978Cys (NM_000267.4); short protein forms G978C.
Identifiers: ClinVar variation 659862 (VCV000659862.5), dbSNP rs1597716367, ClinGen allele CA398986245.
Genomic context (GRCh38, chr17:31,229,916, plus strand): 5'-ACTCAATTTGTAGAACAAACCATAGCTATAATGAAGAACTTGCTAGATAATCATACTGAA[G>T]GCAGCTCTGAACATCTAGGGCAAGCTAGCATTGAAACAATGATGTTAAATCTGGTCAGGT-3'
Protein context (NP_001035957.1, residues 968-988): MKNLLDNHTE[Gly978Cys]SSEHLGQASI